The following is an entry in ClinVar:

ClinVar aggregate classification (germline): Uncertain significance (1 of 4 stars; one submission).

gnomAD v4.1: 2 of 1,613,642 alleles (0.00012%); highest among the groups gnomAD compares: Middle Eastern, 0.016%; no homozygotes.

Submission:

Labcorp Genetics (formerly Invitae), Labcorp
Classification: Uncertain significance. Last evaluated: 2025-11-23. Review status: criteria provided, single submitter. Criteria: Invitae Variant Classification Sherloc (09022015). Collection method: clinical testing. Allele origin: germline.
Comment: This sequence change replaces alanine, which is neutral and non-polar, with serine, which is neutral and polar, at codon 1521 of the COL11A1 protein (p.Ala1521Ser). This variant is not present in population databases (gnomAD no frequency). This variant has not been reported in the literature in individuals affected with COL11A1-related conditions. ClinVar contains an entry for this variant (Variation ID: 1004516). Invitae Evidence Modeling of protein sequence and biophysical properties (such as structural, functional, and spatial information, amino acid conservation, physicochemical variation, residue mobility, and thermodynamic stability) indicates that this missense variant is not expected to disrupt COL11A1 protein function with a negative predictive value of 80%. In summary, the available evidence is currently insufficient to determine the role of this variant in disease. Therefore, it has been classified as a Variant of Uncertain Significance.

NM_001854.4(COL11A1):c.4561G>T (p.Ala1521Ser)

Gene: COL11A1 (collagen type XI alpha 1 chain; minus strand). Cytogenetic location: 1p21.1.
Variant type: single nucleotide variant.
Coding change: c.4561G>T on transcript NM_001854.4 (MANE Select); coding-DNA position 4561, G replaced by T.
Protein change: p.Ala1521Ser; replaces alanine 1521 with serine.
Molecular consequence: missense variant. On other transcripts: non-coding transcript variant (1).
Genome position (GRCh38, 1-based): chr1:102,888,624, C>A on the plus strand (G>T on the coding strand, the complement: COL11A1 is on the minus strand). VCF-style: chr1-102888624-C-A. GRCh37 (hg19) VCF-style: chr1-103354180-C-A.
Other names: c.4444G>T, p.Ala1482Ser (NM_001190709.2); c.4597G>T, p.Ala1533Ser (NM_080629.3); c.4213G>T, p.Ala1405Ser (NM_080630.4); short protein forms A1405S, A1482S, A1521S, A1533S.
Identifiers: ClinVar variation 1004516 (VCV001004516.6), dbSNP rs769920499, ClinGen allele CA341212351.